The following is an entry in ClinVar:

ClinVar aggregate classification (germline): Uncertain significance (1 of 4 stars; one submission).

gnomAD v4.1: 1 of 1,613,556 alleles (0.000062%); highest among the groups gnomAD compares: East Asian, 0.0022%; no homozygotes.

Submission:

Labcorp Genetics (formerly Invitae), Labcorp
Classification: Uncertain significance. Last evaluated: 2025-08-30. Review status: criteria provided, single submitter. Criteria: Invitae Variant Classification Sherloc (09022015). Collection method: clinical testing. Allele origin: germline.
Comment: This sequence change replaces leucine, which is neutral and non-polar, with phenylalanine, which is neutral and non-polar, at codon 205 of the NPAT protein (p.Leu205Phe). This variant is not present in population databases (gnomAD no frequency). This variant has not been reported in the literature in individuals affected with NPAT-related conditions. ClinVar contains an entry for this variant (Variation ID: 3676263). An algorithm developed to predict the effect of missense changes on protein structure and function (PolyPhen-2) suggests that this variant is likely to be disruptive. In summary, the available evidence is currently insufficient to determine the role of this variant in disease. Therefore, it has been classified as a Variant of Uncertain Significance.

NM_002519.3(NPAT):c.615A>C (p.Leu205Phe)

Gene: NPAT (nuclear protein, coactivator of histone transcription; minus strand). Cytogenetic location: 11q22.3.
Variant type: single nucleotide variant.
Coding change: c.615A>C on transcript NM_002519.3 (MANE Select); coding-DNA position 615, A replaced by C.
Protein change: p.Leu205Phe; replaces leucine 205 with phenylalanine.
Molecular consequence: missense variant.
Genome position (GRCh38, 1-based): chr11:108,188,121, T>G on the plus strand (A>C on the coding strand, the complement: NPAT is on the minus strand). VCF-style: chr11-108188121-T-G. GRCh37 (hg19) VCF-style: chr11-108058848-T-G.
Other names: c.615A>C, p.Leu205Phe (NM_001321307.1); short protein forms L205F.
Identifiers: ClinVar variation 3676263 (VCV003676263.2).